The following is an entry in ClinVar:

ClinVar aggregate classification (germline): Likely benign (1 of 4 stars; one submission).

Allele frequency attached by ClinVar (database versions not stated): 1000 Genomes Project 30x 0.00047; 1000 Genomes Project 0.00060; TOPMed 0.00229; gnomAD 0.00248; ESP Exome Variant Server 0.00331.
gnomAD v4.1: 5,274 of 1,606,178 alleles (0.33%); highest among the groups gnomAD compares: Non-Finnish European, 0.4%; 16 homozygotes.

Submission:

CeGaT Center for Human Genetics Tuebingen
Classification: Likely benign. Last evaluated: 2023-03-01. Review status: criteria provided, single submitter. Criteria: CeGaT Center For Human Genetics Tuebingen Variant Classification Criteria Version 2. Collection method: clinical testing. Allele origin: germline. Affected: yes. Observed: 1 variant allele.
Comment: FAM217A: BP4, BS2

NM_173563.3(FAM217A):c.1507T>C (p.Ser503Pro)

Gene: FAM217A (family with sequence similarity 217 member A; minus strand). Cytogenetic location: 6p25.2.
Variant type: single nucleotide variant.
Coding change: c.1507T>C on transcript NM_173563.3 (MANE Select); coding-DNA position 1507, T replaced by C.
Protein change: p.Ser503Pro; replaces serine 503 with proline.
Molecular consequence: missense variant.
Genome position (GRCh38, 1-based): chr6:4,068,716, A>G on the plus strand (T>C on the coding strand, the complement: FAM217A is on the minus strand). VCF-style: chr6-4068716-A-G. GRCh37 (hg19) VCF-style: chr6-4068950-A-G.
Other names: short protein forms S503P.
Identifiers: ClinVar variation 2656191 (VCV002656191.24), dbSNP rs141691461, ClinGen allele CA3621308.